The following is an entry in ClinVar:

NM_000719.7(CACNA1C):c.59A>G (p.Tyr20Cys)

Gene: CACNA1C (calcium voltage-gated channel subunit alpha1 C; plus strand). Cytogenetic location: 12p13.33.
Variant type: single nucleotide variant.
Coding change: c.59A>G on transcript NM_000719.7 (MANE Select); coding-DNA position 59, A replaced by G.
Protein change: p.Tyr20Cys; replaces tyrosine 20 with cysteine.
Molecular consequence: missense variant.
Genome position (GRCh38, 1-based): chr12:2,115,233, A>G. VCF-style: chr12-2115233-A-G. GRCh37 (hg19) VCF-style: chr12-2224399-A-G.
Other names: c.59A>G, p.Tyr20Cys (NM_001129835.2, NM_001129836.2, NM_001129837.2 and 19 more transcripts); short protein forms Y20C.
Identifiers: ClinVar variation 2630915 (VCV002630915.4), dbSNP rs1267845940, ClinGen allele CA383652853.

ClinVar aggregate classification (germline): Conflicting classifications of pathogenicity. Review status: criteria provided, conflicting classifications (1 of 4 stars). 2 submissions from 2 submitters: Uncertain significance (1); Likely benign (1). Last evaluated 2025-07-22.

Conditions:
Long QT syndrome (LQTS). Identifiers: MedGen C0023976, MeSH D008133, MONDO:0002442. Disease mechanism: loss of function. Inheritance: Various modes of inheritance.
CACNA1C-related disorder. Also called: CACNA1C-related condition; CACNA1C-related disorders. Identifiers: MedGen CN381092, MONDO:0700321.

Allele frequency attached by ClinVar (database versions not stated): gnomAD exomes below 0.00001; TOPMed below 0.00001; gnomAD 0.00001.
gnomAD v4.1: 2 of 1,568,190 alleles (0.00013%); highest among the groups gnomAD compares: East Asian, 0.0023%; no homozygotes.

Submissions (2):

Labcorp Genetics (formerly Invitae), Labcorp
Classification: Likely benign for Long QT syndrome. Last evaluated: 2025-07-22. Review status: criteria provided, single submitter. Criteria: Invitae Variant Classification Sherloc (09022015). Collection method: clinical testing. Allele origin: germline.

PreventionGenetics, part of Exact Sciences
Classification: Uncertain significance for CACNA1C-related condition. Last evaluated: 2023-09-18. Review status: criteria provided, single submitter. Criteria: ACMG Guidelines, 2015. Collection method: clinical testing. Allele origin: germline.
Comment: The CACNA1C c.59A>G variant is predicted to result in the amino acid substitution p.Tyr20Cys. To our knowledge, this variant has not been reported in the literature. This variant is reported in 0.011% of alleles in individuals of African descent in gnomAD. At this time, the clinical significance of this variant is uncertain due to the absence of conclusive functional and genetic evidence.